The following is an entry in ClinVar:

ClinVar aggregate classification (germline): Likely pathogenic. Review status: criteria provided, single submitter (1 of 4 stars). 2 submissions from 2 submitters: Likely pathogenic (1). 1 of the submissions does not count toward it. Last evaluated 2023-06-28.

Conditions:
Dyskinesia with orofacial involvement, autosomal recessive. Identifiers: MedGen C5562036, MONDO:0030625, OMIM 619647.

Allele frequency attached by ClinVar (database versions not stated): gnomAD exomes below 0.00001.
gnomAD v4.1: 1 of 1,614,202 alleles (0.000062%); highest among the groups gnomAD compares: Non-Finnish European, 0.000085%; no homozygotes.

Submissions (2):

GeneDx
Classification: Likely pathogenic. Last evaluated: 2023-06-28. Review status: criteria provided, single submitter. Criteria: GeneDx Variant Classification Process June 2021. Collection method: clinical testing. Allele origin: germline. Affected: yes.
Comment: Not observed at significant frequency in large population cohorts (gnomAD); In silico analysis supports that this missense variant has a deleterious effect on protein structure/function; This variant is associated with the following publications: (PMID: 33704598, 30975617, 33934385, Menon[Review]2023, 34698552)

OMIM
Classification: Pathogenic for DYSKINESIA WITH OROFACIAL INVOLVEMENT, AUTOSOMAL RECESSIVE. Last evaluated: 2022-08-11. Review status: no assertion criteria provided. Collection method: literature only. Allele origin: germline. Not counted in ClinVar's aggregate classification.

Literature cited by the submitters: PubMed 30975617 (cited by OMIM).

NM_183357.3(ADCY5):c.1762G>A (p.Asp588Asn)

Gene: ADCY5 (adenylate cyclase 5; minus strand). Cytogenetic location: 3q21.1.
Variant type: single nucleotide variant.
Coding change: c.1762G>A on transcript NM_183357.3 (MANE Select); coding-DNA position 1762, G replaced by A.
Protein change: p.Asp588Asn; replaces aspartic acid 588 with asparagine.
Molecular consequence: missense variant.
Genome position (GRCh38, 1-based): chr3:123,328,687, C>T on the plus strand (G>A on the coding strand, the complement: ADCY5 is on the minus strand). VCF-style: chr3-123328687-C-T. GRCh37 (hg19) VCF-style: chr3-123047534-C-T.
Other names: c.712G>A, p.Asp238Asn (NM_001199642.1); c.1762G>A, p.Asp588Asn (NM_001378259.1); c.1762G>A (NM_183357.2); short protein forms D588N, D238N.
Identifiers: ClinVar variation 1327482 (VCV001327482.4), dbSNP rs2108390731, ClinGen allele CA354219489.